The following is an entry in ClinVar:

ClinVar aggregate classification (germline): Uncertain significance (1 of 4 stars; one submission).

Conditions:
Usher syndrome type 3B. Also called: USHER SYNDROME, TYPE IIIB. Identifiers: MedGen C3281066, MONDO:0013788, OMIM 614504.

Allele frequency attached by ClinVar (database versions not stated): TOPMed below 0.00001; ExAC 0.00001.
gnomAD v4.1: 1 of 1,609,642 alleles (0.000062%); highest among the groups gnomAD compares: Non-Finnish European, 0.000085%; no homozygotes.

Submission:

Labcorp Genetics (formerly Invitae), Labcorp
Classification: Uncertain significance for Usher syndrome type 3B. Last evaluated: 2023-06-14. Review status: criteria provided, single submitter. Criteria: Invitae Variant Classification Sherloc (09022015). Collection method: clinical testing. Allele origin: germline.
Comment: This sequence change affects an acceptor splice site in intron 7 of the HARS gene. It is expected to disrupt RNA splicing. Variants that disrupt the donor or acceptor splice site typically lead to a loss of protein function (PMID: 16199547), however the current clinical and genetic evidence is not sufficient to establish whether loss-of-function variants in HARS cause disease. This variant is present in population databases (rs773800588, gnomAD 0.0009%). This variant has not been reported in the literature in individuals affected with HARS-related conditions. Algorithms developed to predict the effect of sequence changes on RNA splicing suggest that this variant may disrupt the consensus splice site. In summary, the available evidence is currently insufficient to determine the role of this variant in disease. Therefore, it has been classified as a Variant of Uncertain Significance.

Literature cited by the submitters: PubMed 16199547.

NM_002109.6(HARS1):c.730-2A>G

Gene: HARS1 (histidyl-tRNA synthetase 1; minus strand). Cytogenetic location: 5q31.3.
Variant type: single nucleotide variant.
Coding change: c.730-2A>G on transcript NM_002109.6 (MANE Select); the canonical splice acceptor site of the intron before coding-DNA position 730, A replaced by G.
Molecular consequence: splice acceptor variant.
Genome position (GRCh38, 1-based): chr5:140,677,422, T>C on the plus strand (A>G on the coding strand, the complement: HARS1 is on the minus strand). VCF-style: chr5-140677422-T-C. GRCh37 (hg19) VCF-style: chr5-140057007-T-C.
Other names: c.643-2A>G (NM_001289094.2); c.388-2A>G (NM_001289093.2); c.550-2A>G (NM_001258042.3); c.610-2A>G (NM_001258040.3); c.508-2A>G (NM_001289092.2); c.670-2A>G (NM_001258041.3).
Identifiers: ClinVar variation 2879564 (VCV002879564.3), dbSNP rs773800588, ClinGen allele CA3444000.
Genomic context (GRCh38, chr5:140,677,422, plus strand): 5'-ACCTCAGGTGCAAGGCCCTTCTCTCCCACCATCTCATTCTTCACCTCTTCCCAGGACACC[T>C]AGGCAGACAGACACCAGTCAGGGACCCCTGGGCAGCTTCCGCACCACAGAGCAAGTGTGT-3'